The following is an entry in ClinVar:

ClinVar aggregate classification (germline): Uncertain significance (1 of 4 stars; one submission).

Conditions:
Carney complex, type 1 (CNC1). Also called: CARNEY COMPLEX, TYPE I; CARNEY MYXOMA-ENDOCRINE COMPLEX. Identifiers: Orphanet 1359, MedGen C2607929, MONDO:0008057, OMIM 160980.

Submission:

Labcorp Genetics (formerly Invitae), Labcorp
Classification: Uncertain significance for Carney complex, type 1. Last evaluated: 2021-12-24. Review status: criteria provided, single submitter. Criteria: Invitae Variant Classification Sherloc (09022015). Collection method: clinical testing. Allele origin: germline.
Comment: This variant occurs in a non-coding region of the PRKAR1A gene. It does not change the encoded amino acid sequence of the PRKAR1A protein. This variant also falls at the last nucleotide of exon 1, which is part of the consensus splice site for this exon. This variant is not present in population databases (gnomAD no frequency). This variant has not been reported in the literature in individuals affected with PRKAR1A-related conditions. Variants that disrupt the consensus splice site are a relatively common cause of aberrant splicing (PMID: 17576681, 9536098). Algorithms developed to predict the effect of sequence changes on RNA splicing suggest that this variant may disrupt the consensus splice site. In summary, the available evidence is currently insufficient to determine the role of this variant in disease. Therefore, it has been classified as a Variant of Uncertain Significance.

Literature cited by the submitters: PubMed 17576681; PubMed 9536098.

NM_002734.5(PRKAR1A):c.-7G>T

Gene: PRKAR1A (protein kinase cAMP-dependent type I regulatory subunit alpha; plus strand). Cytogenetic location: 17q24.2.
Variant type: single nucleotide variant.
Coding change: c.-7G>T on transcript NM_002734.5 (MANE Select); 7 bases upstream of the start codon, G replaced by T.
Molecular consequence: 5 prime UTR variant. On other transcripts: intron variant (3).
Genome position (GRCh38, 1-based): chr17:68,512,548, G>T. VCF-style: chr17-68512548-G-T. GRCh37 (hg19) VCF-style: chr17-66508689-G-T.
Other names: c.-140G>T (NM_001276289.2); c.-38G>T (NM_212472.2); c.-6-2846G>T (NM_001278433.2); c.-140+406G>T (NM_001369389.1); c.-7+406G>T (NM_212471.3).
Identifiers: ClinVar variation 2056967 (VCV002056967.4), dbSNP rs2085291533, ClinGen allele CA2580095024.
Genomic context (GRCh38, chr17:68,512,548, plus strand): 5'-GGAGCTCGGTACGCCGCCGCCTCGCACCCGCAGCCTCGCGCCCGCCGCCGCCCGTCCCCA[G>T]GTGAGTGGGGTCGGCCGGGGGCTCAGGCGAGGTGAGCTTCGTCGCTTCGCAGCCGGTTTG-3'